The following is an entry in ClinVar:

ClinVar aggregate classification (germline): Likely pathogenic (1 of 4 stars; one submission).

Conditions:
Cerebellar, ocular, craniofacial, and genital syndrome. Identifiers: MedGen C5193118, MONDO:0032774, OMIM 618479.

Submission:

Department of Molecular Genetics, Istishari Arab Hospital
Classification: Likely pathogenic for Cerebellar, ocular, craniofacial, and genital syndrome. Last evaluated: 2026-03-24. Review status: criteria provided, single submitter. Criteria: ACMG Guidelines, 2015. Collection method: clinical testing. Allele origin: germline. Inheritance: Autosomal recessive inheritance. Affected: yes.
Comment: The MAB21L1 variant c.371C>T (p.Ser124Leu) results in an amino acid substitution from serine to leucine at codon 124. This variant is observed at an extremely low frequency in the gnomAD v4.1.0 dataset (total allele frequency <0.001%). To date, this variant has not been reported in the literature. It is classified as likely pathogenic according to the recommendations of ACMG/AMP/ClinGen SVI guidelines.

NM_005584.5(MAB21L1):c.371C>T (p.Ser124Leu)

Genes: MAB21L1 (mab-21 like 1; minus strand), NBEA (neurobeachin; plus strand). Cytogenetic location: 13q13.3.
Variant type: single nucleotide variant.
Coding change: c.371C>T on transcript NM_005584.5 (MANE Select); coding-DNA position 371, C replaced by T.
Protein change: p.Ser124Leu; replaces serine 124 with leucine.
Molecular consequence: missense variant. On other transcripts: intron variant (3).
Genome position (GRCh38, 1-based): chr13:35,475,768, G>A on the plus strand (C>T on the coding strand, the complement: MAB21L1 is on the minus strand). VCF-style: chr13-35475768-G-A. GRCh37 (hg19) VCF-style: chr13-36049905-G-A.
Other names: p.Ser124Leu; c.6585+3232G>A (NM_001385012.1, NM_015678.5); c.6576+3232G>A (NM_001379245.1); short protein forms S124L.
Identifiers: ClinVar variation 4814017 (VCV004814017.1).